The following is an entry in ClinVar:

NM_017636.4(TRPM4):c.776A>G (p.Gln259Arg)

Gene: TRPM4 (transient receptor potential cation channel subfamily M member 4; plus strand). Cytogenetic location: 19q13.33.
Variant type: single nucleotide variant.
Coding change: c.776A>G on transcript NM_017636.4 (MANE Select); coding-DNA position 776, A replaced by G.
Protein change: p.Gln259Arg; replaces glutamine 259 with arginine.
Molecular consequence: missense variant. On other transcripts: 5 prime UTR variant (2).
Genome position (GRCh38, 1-based): chr19:49,168,716, A>G. VCF-style: chr19-49168716-A-G. GRCh37 (hg19) VCF-style: chr19-49671973-A-G.
Other names: c.776A>G, p.Gln259Arg (NM_001195227.2); c.431A>G, p.Gln144Arg (NM_001321281.2); c.-778A>G (NM_001321282.2); c.254A>G, p.Gln85Arg (NM_001321283.2); c.-74A>G (NM_001321285.2); short protein forms Q144R, Q259R, Q85R.
Identifiers: ClinVar variation 1316155 (VCV001316155.4), dbSNP rs1188524993, ClinGen allele CA406792863.

ClinVar aggregate classification (germline): Uncertain significance. Review status: criteria provided, multiple submitters, no conflicts (2 of 4 stars). 2 submissions from 2 submitters: Uncertain significance (2). Last evaluated 2024-05-08.

Conditions:
Progressive familial heart block type IB (PFHB1B). Identifiers: Orphanet 871, MedGen C1970298, MONDO:0011474, OMIM 604559.

Allele frequency attached by ClinVar (database versions not stated): TOPMed below 0.00001.

Submissions (2):

Labcorp Genetics (formerly Invitae), Labcorp
Classification: Uncertain significance for Progressive familial heart block type IB. Last evaluated: 2024-05-08. Review status: criteria provided, single submitter. Criteria: Invitae Variant Classification Sherloc (09022015). Collection method: clinical testing. Allele origin: germline.
Comment: This sequence change replaces glutamine, which is neutral and polar, with arginine, which is basic and polar, at codon 259 of the TRPM4 protein (p.Gln259Arg). This variant is not present in population databases (gnomAD no frequency). This variant has not been reported in the literature in individuals affected with TRPM4-related conditions. ClinVar contains an entry for this variant (Variation ID: 1316155). Algorithms developed to predict the effect of missense changes on protein structure and function output the following: SIFT: "Not Available"; PolyPhen-2: "Benign"; Align-GVGD: "Not Available". The arginine amino acid residue is found in multiple mammalian species, which suggests that this missense change does not adversely affect protein function. In summary, the available evidence is currently insufficient to determine the role of this variant in disease. Therefore, it has been classified as a Variant of Uncertain Significance.

GeneDx
Classification: Uncertain significance. Last evaluated: 2019-07-25. Review status: criteria provided, single submitter. Criteria: GeneDx Variant Classification Process June 2021. Collection method: clinical testing. Allele origin: germline. Affected: yes.
Comment: Has not been previously published as pathogenic or benign to our knowledge; Not observed in large population cohorts (Lek et al., 2016); In silico analysis, which includes protein predictors and evolutionary conservation, supports that this variant does not alter protein structure/function